The following is an entry in ClinVar:

ClinVar aggregate classification (germline): Likely benign (1 of 4 stars; one submission).

Conditions:
Chopra-Amiel-Gordon syndrome (CAGS). Also called: ANKRD17-Related Neurodevelopmental Syndrome. Identifiers: MedGen C5561975, MONDO:0859186, OMIM 619504.

gnomAD v4.1: 6 of 1,613,658 alleles (0.00037%); highest among the groups gnomAD compares: South Asian, 0.0055%; no homozygotes.

Submission:

Centre for Medical Genetics,  Mumbai
Classification: Likely benign for Chopra-Amiel-Gordon syndrome. Last evaluated: 2026-02-19. Review status: criteria provided, single submitter. Criteria: ACMG Guidelines, 2015. Collection method: provider interpretation. Allele origin: germline. Inheritance: Autosomal dominant inheritance. Affected: no. Observed: 1 heterozygote.
Comment: The variant satisfies PM2 criteria; Extremely low frequency in gnomAD population databases. The variant satisfies PP2 criteria; Missense variant in a gene with low rate of benign missense mutations and for which missense mutation is a common mechanism of a disease. However, the variant satisfies BS2 criteria.

Literature cited by the submitters: PubMed 33909992.

NM_032217.5(ANKRD17):c.3278G>C (p.Gly1093Ala)

Gene: ANKRD17 (ankyrin repeat domain 17; minus strand). Cytogenetic location: 4q13.3.
Variant type: single nucleotide variant.
Coding change: c.3278G>C on transcript NM_032217.5 (MANE Select); coding-DNA position 3278, G replaced by C.
Protein change: p.Gly1093Ala; replaces glycine 1093 with alanine.
Molecular consequence: missense variant.
Genome position (GRCh38, 1-based): chr4:73,125,269, C>G on the plus strand (G>C on the coding strand, the complement: ANKRD17 is on the minus strand). VCF-style: chr4-73125269-C-G. GRCh37 (hg19) VCF-style: chr4-73990986-C-G.
Other names: c.2939G>C, p.Gly980Ala (NM_001286771.3); c.3275G>C, p.Gly1092Ala (NM_015574.2); c.2525G>C, p.Gly842Ala (NM_198889.3); short protein forms G1092A, G842A, G980A, G1093A.
Identifiers: ClinVar variation 4795884 (VCV004795884.1).